The following is an entry in ClinVar:

ClinVar aggregate classification (germline): Uncertain significance. Review status: criteria provided, multiple submitters, no conflicts (2 of 4 stars). 2 submissions from 2 submitters: Uncertain significance (2). Last evaluated 2023-11-09.

Conditions:
Perlman syndrome (PRLMNS). Identifiers: Orphanet 2849, MedGen C0796113, MONDO:0009965, OMIM 267000.
Inborn genetic diseases. Identifiers: MedGen C0950123, MeSH D030342.

Allele frequency attached by ClinVar (database versions not stated): TOPMed 0.00002.
gnomAD v4.1: 3 of 1,614,180 alleles (0.00019%); highest among the groups gnomAD compares: African/African-American, 0.0027%; no homozygotes.

Submissions (2):

Labcorp Genetics (formerly Invitae), Labcorp
Classification: Uncertain significance for Perlman syndrome. Last evaluated: 2023-11-09. Review status: criteria provided, single submitter. Criteria: Invitae Variant Classification Sherloc (09022015). Collection method: clinical testing. Allele origin: germline.
Comment: This sequence change replaces serine, which is neutral and polar, with arginine, which is basic and polar, at codon 522 of the DIS3L2 protein (p.Ser522Arg). This variant is present in population databases (rs374299868, gnomAD 0.01%). This variant has not been reported in the literature in individuals affected with DIS3L2-related conditions. ClinVar contains an entry for this variant (Variation ID: 661999). Advanced modeling of protein sequence and biophysical properties (such as structural, functional, and spatial information, amino acid conservation, physicochemical variation, residue mobility, and thermodynamic stability) performed at Invitae indicates that this missense variant is not expected to disrupt DIS3L2 protein function with a negative predictive value of 80%. In summary, the available evidence is currently insufficient to determine the role of this variant in disease. Therefore, it has been classified as a Variant of Uncertain Significance.

Ambry Genetics
Classification: Uncertain significance for Inborn genetic diseases. Last evaluated: 2023-04-06. Review status: criteria provided, single submitter. Criteria: Ambry Variant Classification Scheme 2023. Collection method: clinical testing. Allele origin: germline.

NM_152383.5(DIS3L2):c.1566C>G (p.Ser522Arg)

Gene: DIS3L2 (DIS3 like 3'-5' exoribonuclease 2; plus strand). Cytogenetic location: 2q37.1.
Variant type: single nucleotide variant.
Coding change: c.1566C>G on transcript NM_152383.5 (MANE Select); coding-DNA position 1566, C replaced by G.
Protein change: p.Ser522Arg; replaces serine 522 with arginine.
Molecular consequence: missense variant. On other transcripts: non-coding transcript variant (2).
Genome position (GRCh38, 1-based): chr2:232,263,347, C>G. VCF-style: chr2-232263347-C-G. GRCh37 (hg19) VCF-style: chr2-233128057-C-G.
Other names: c.1566C>G, p.Ser522Arg (NM_001257281.2); short protein forms S522R.
Identifiers: ClinVar variation 661999 (VCV000661999.10), dbSNP rs374299868, ClinGen allele CA2164192.